The following is an entry in ClinVar:

ClinVar aggregate classification (germline): Benign. Review status: criteria provided, multiple submitters, no conflicts (2 of 4 stars). 3 submissions from 2 submitters: Benign (3). Last evaluated 2018-01-13.

Conditions:
Craniometaphyseal dysplasia, autosomal dominant (CMDD). Identifiers: Orphanet 1522, MedGen C1852502, MONDO:0007397, OMIM 123000.
Chondrocalcinosis 2. Also called: CALCIUM GOUT; CALCIUM PYROPHOSPHATE ARTHROPATHY; Familial calcium pyrophosphate deposition. Identifiers: Orphanet 1416, MedGen C0856830, MONDO:0007319, OMIM 118600.

Allele frequency attached by ClinVar (database versions not stated): 1000 Genomes Project 0.01538; 1000 Genomes Project 30x 0.01546; TOPMed 0.02265; gnomAD 0.02411 and 0.02462; gnomAD exomes 0.02443.
gnomAD v4.1: 3,914 of 162,804 alleles (2.4%); highest among the groups gnomAD compares: Admixed American, 4.1%; 81 homozygotes.

Submissions (3):

Illumina Laboratory Services, Illumina
Classification: Benign for Craniometaphyseal dysplasia, autosomal dominant. Last evaluated: 2018-01-13. Review status: criteria provided, single submitter. Criteria: ICSL Variant Classification Criteria 13 December 2019. Collection method: clinical testing. Allele origin: germline.
Comment: This variant was observed in the ICSL laboratory as part of a predisposition screen in an ostensibly healthy population. It had not been previously curated by ICSL or reported in the Human Gene Mutation Database (HGMD: prior to June 1st, 2018), and was therefore a candidate for classification through an automated scoring system. Utilizing variant allele frequency, disease prevalence and penetrance estimates, and inheritance mode, an automated score was calculated to assess if this variant is too frequent to cause the disease. Based on the score and internal cut-off values, a variant classified as benign is not then subjected to further curation. The score for this variant resulted in a classification of benign for this disease.

Illumina Laboratory Services, Illumina
Classification: Benign for Chondrocalcinosis 2. Last evaluated: 2018-01-13. Review status: criteria provided, single submitter. Criteria: ICSL Variant Classification Criteria 13 December 2019. Collection method: clinical testing. Allele origin: germline.
Comment: the same text as in the submission from Illumina Laboratory Services, Illumina above.

Breakthrough Genomics
Classification: Benign. Review status: criteria provided, single submitter. Criteria: ACMG Guidelines, 2015. Collection method: not provided. Allele origin: germline. Inheritance: Autosomal dominant inheritance. Affected: yes.

NM_054027.6(ANKH):c.*561C>T

Genes: ANKH (ANKH inorganic pyrophosphate transport regulator; minus strand), OTULIN (OTU deubiquitinase with linear linkage specificity; plus strand). Cytogenetic location: 5p15.2.
Variant type: single nucleotide variant.
Coding change: c.*561C>T on transcript NM_054027.6 (MANE Select); 561 bases downstream of the stop codon, C replaced by T.
Molecular consequence: 3 prime UTR variant.
Genome position (GRCh38, 1-based): chr5:14,710,636, G>A on the plus strand (C>T on the coding strand, the complement: ANKH is on the minus strand). VCF-style: chr5-14710636-G-A. GRCh37 (hg19) VCF-style: chr5-14710745-G-A.
Identifiers: ClinVar variation 351488 (VCV000351488.6), dbSNP rs116140147, ClinGen allele CA10620517.